The following is an entry in ClinVar:

ClinVar aggregate classification (germline): Pathogenic (1 of 4 stars; one submission).

Conditions:
Hereditary breast ovarian cancer syndrome. Also called: Hereditary breast and ovarian cancer syndrome (HBOC); Hereditary breast and ovarian cancer syndrome; Breast and ovarian cancer; Hereditary breast and/or ovarian cancer syndrome; Hereditary breast and ovarian cancer; BRCA1- and BRCA2-Associated Hereditary Breast and Ovarian Cancer. Identifiers: Orphanet 145, MedGen C0677776, MeSH D061325, MONDO:0003582. Disease mechanism: loss of function.

Submission:

Labcorp Genetics (formerly Invitae), Labcorp
Classification: Pathogenic for Hereditary breast ovarian cancer syndrome. Last evaluated: 2017-05-04. Review status: criteria provided, single submitter. Criteria: Invitae Variant Classification Sherloc (09022015). Collection method: clinical testing. Allele origin: germline.
Comment: While this particular variant has not been reported in the literature, loss-of-function variants in BRCA1 are known to be pathogenic (PMID: 20104584). For these reasons, this variant has been classified as Pathogenic. This sequence change deletes 8 nucleotides from exon 10 of the BRCA1 mRNA (c.2680_2687delAAACAAAG), causing a frameshift at codon 894. This creates a premature translational stop signal (p.Lys894Serfs*6) and is expected to result in an absent or disrupted protein product.

Literature cited by the submitters: PubMed 20104584.

NM_007294.4(BRCA1):c.2680_2687del (p.Lys894fs)

Gene: BRCA1 (BRCA1 DNA repair associated; minus strand). Cytogenetic location: 17q21.31.
Variant type: Deletion.
Coding change: c.2680_2687del on transcript NM_007294.4 (MANE Select); coding-DNA positions 2680 to 2687, 8 bases deleted (AAACAAAG; older notation c.2680_2687delAAACAAAG).
Protein change: p.Lys894fs; shifts the reading frame from lysine 894.
Molecular consequence: frameshift variant. On other transcripts: intron variant (137).
Genome position (GRCh38, 1-based): chr17:43,092,844-43,092,851, CTTTGTTT deleted on the plus strand (AAACAAAG on the coding strand, the reverse complement: BRCA1 is on the minus strand); deleting any 8 consecutive bases within chr17:43,092,844-43,092,855 gives the same sequence; the c. name uses the placement nearest the transcript's 3' end. VCF-style (leftmost placement, unchanged base first): chr17-43092843-ACTTTGTTT-A. GRCh37 (hg19) VCF-style: chr17-41244860-ACTTTGTTT-A.
Other names: c.2557_2564del, p.Lys853fs (NM_001407674.1, NM_001407679.1, NM_001407675.1 and 19 more transcripts); c.2680_2687delAAACAAAG (NM_007294.3); c.2677_2684del, p.Lys893fs (NM_001407628.1, NM_001407629.1, NM_001407630.1 and 22 more transcripts); c.2680_2687del, p.Lys894fs (NM_001407639.1, NM_001407640.1, NM_001407641.1 and 30 more transcripts); c.2671_2678del, p.Lys891fs (NM_001407646.1, NM_001407647.1); c.2554_2561del, p.Lys852fs (NM_001407649.1, NM_001407670.1, NM_001407671.1 and 11 more transcripts); c.2602_2609del, p.Lys868fs (NM_001407653.1, NM_001407654.1, NM_001407655.1 and 4 more transcripts); c.2599_2606del, p.Lys867fs (NM_001407659.1, NM_001407660.1, NM_001407661.1 and 1 more transcripts); and 42 more; short protein forms K847fs, K894fs, K766fs, K767fs, K827fs, K598fs, K782fs, K805fs.
Identifiers: ClinVar variation 462592 (VCV000462592.10), dbSNP rs1555589143, ClinGen allele CA658656675.